The following is an entry in ClinVar:

NM_004370.6(COL12A1):c.4463C>A (p.Thr1488Asn)

Gene: COL12A1 (collagen type XII alpha 1 chain; minus strand). Cytogenetic location: 6q13.
Variant type: single nucleotide variant.
Coding change: c.4463C>A on transcript NM_004370.6 (MANE Select); coding-DNA position 4463, C replaced by A.
Protein change: p.Thr1488Asn; replaces threonine 1488 with asparagine.
Molecular consequence: missense variant.
Genome position (GRCh38, 1-based): chr6:75,146,199, G>T on the plus strand (C>A on the coding strand, the complement: COL12A1 is on the minus strand). VCF-style: chr6-75146199-G-T. GRCh37 (hg19) VCF-style: chr6-75855915-G-T.
Other names: c.971C>A, p.Thr324Asn (NM_080645.3); short protein forms T1488N, T324N.
Identifiers: ClinVar variation 1320844 (VCV001320844.7), dbSNP rs771864984, ClinGen allele CA3893442.

ClinVar aggregate classification (germline): Conflicting classifications of pathogenicity. Review status: criteria provided, conflicting classifications (1 of 4 stars). 2 submissions from 2 submitters: Uncertain significance (1); Likely benign (1). Last evaluated 2025-10-08.

Conditions:
Bethlem myopathy 2 (BTHLM2). Identifiers: Orphanet 536516, Orphanet 610, MedGen C4225313, MONDO:0034022, OMIM 616471.
Ullrich congenital muscular dystrophy 2 (UCMD2). Identifiers: Orphanet 75840, MedGen C4225314, MONDO:0014654, OMIM 616470.

Allele frequency attached by ClinVar (database versions not stated): ExAC 0.00002.
gnomAD v4.1: 5 of 1,613,024 alleles (0.00031%); highest among the groups gnomAD compares: Admixed American, 0.0067%; no homozygotes.

Submissions (2):

Labcorp Genetics (formerly Invitae), Labcorp
Classification: Likely benign for Bethlem myopathy 2; Ullrich congenital muscular dystrophy 2. Last evaluated: 2025-10-08. Review status: criteria provided, single submitter. Criteria: Invitae Variant Classification Sherloc (09022015). Collection method: clinical testing. Allele origin: germline.

GeneDx
Classification: Uncertain significance. Last evaluated: 2020-02-06. Review status: criteria provided, single submitter. Criteria: GeneDx Variant Classification Process June 2021. Collection method: clinical testing. Allele origin: germline. Affected: yes.
Comment: Has not been previously published as pathogenic or benign to our knowledge; Not observed at a significant frequency in large population cohorts (Lek et al., 2016); In silico analysis supports that this missense variant does not alter protein structure/function